The following is an entry in ClinVar:

ClinVar aggregate classification (germline): Uncertain significance. Review status: reviewed by expert panel (3 of 4 stars). 2 submissions from 2 submitters: Uncertain significance (1). 1 of the submissions does not count toward it. Last evaluated 2024-05-02.

Conditions:
Glanzmann thrombasthenia. Also called: BLEEDING DISORDER, PLATELET-TYPE, 2; THROMBASTHENIA OF GLANZMANN AND NAEGELI; Thrombasthenia; PLATELET GLYCOPROTEIN IIb-IIIa DEFICIENCY; Glanzmann's thrombasthenia. Identifiers: Orphanet 849, MedGen C0040015, MONDO:0100326.
Abnormal platelet aggregation. Identifiers: MedGen C0541767, HP:0030402.

Allele frequency attached by ClinVar (database versions not stated): gnomAD exomes below 0.00001.
gnomAD v4.1: 2 of 1,614,134 alleles (0.00012%); highest among the groups gnomAD compares: African/African-American, 0.0027%; no homozygotes.

Submissions (2):

ClinGen Platelet Disorders Variant Curation Expert Panel, ClinGen
Classification: Uncertain significance for Glanzmann thrombasthenia. Last evaluated: 2024-05-02. Review status: reviewed by expert panel. Criteria: ClinGen Platelet ACMG Specifications v2-1. Collection method: curation. Allele origin: germline. Inheritance: Autosomal recessive inheritance.
Comment: The intronic variant NM_000419.5(ITGA2B):c.188+5G>T has been reported in one individual with a disorder of platelet function (TGP0048 in PMID:31064749). Communication with the authors confirmed a diagnosis of Glanzmann thrombasthenia. The patient had impaired platelet aggregation and prolonged bleeding after dental extraction. This individual, TGP0048, is compound heterozygous for this variant and a likely pathogenic frameshift variant (NM_000419.5(ITGA2B):c.1973del), phasing unspecified. The variant is absent from gnomAD (PM2_supporting). The computational splicing predictor SpliceAI gives a score of 0.14 for donor site loss, which indicates the variant has no affect on splicing (PP3 not met). Meanwhile, the variant occurs at a nucleotide position that is highly conserved, as shown by phyloP score of 3.27 (BP7 not met). In summary, this variant meets the criteria to be classified as variant of uncertain significance- insufficient evidence for autosomal recessive Glanzmann Thrombasthenia based on no ACMG/AMP criteria applied.(VCEP specifications version 2.1.0).

NIHR Bioresource Rare Diseases, University of Cambridge
Classification: Uncertain significance for Abnormal platelet aggregation. Last evaluated: 2019-02-01. Review status: criteria provided, single submitter. Criteria: ACMG Guidelines, 2015. Collection method: research. Allele origin: unknown. Affected: yes. Observed: 1 compound heterozygote. Study: ThromboGenomics. Not counted in ClinVar's aggregate classification.

Literature cited by the submitters: PubMed 31064749 (cited by NIHR Bioresource Rare Diseases, University of Cambridge).

NM_000419.5(ITGA2B):c.188+5G>T

Gene: ITGA2B (integrin subunit alpha 2b; minus strand). Cytogenetic location: 17q21.31.
Variant type: single nucleotide variant.
Coding change: c.188+5G>T on transcript NM_000419.5 (MANE Select); 5 bases into the intron after coding-DNA position 188, G replaced by T.
Molecular consequence: intron variant.
Genome position (GRCh38, 1-based): chr17:44,389,281, C>A on the plus strand (G>T on the coding strand, the complement: ITGA2B is on the minus strand). VCF-style: chr17-44389281-C-A. GRCh37 (hg19) VCF-style: chr17-42466649-C-A.
Other names: c.188+5G>T (LRG_479t1).
Identifiers: ClinVar variation 627268 (VCV000627268.2), dbSNP rs1598385156, ClinGen allele CA915940776.
Genomic context (GRCh38, chr17:44,389,281, plus strand): 5'-CCCAGAAGCAGTGATGGGGAGGGGTCCTGCTCTCTCCCAATACCCCAACTTCCCTTACGG[C>A]TCACCTCCCATGGCTGTCCTTGTGGAAGTCCAGTGAAAATCCAAACTGGCTGCCATTGGG-3'